The following is an entry in ClinVar:

NM_000255.4(MMUT):c.32T>C (p.Leu11Pro)

Gene: MMUT (methylmalonyl-CoA mutase; minus strand). Cytogenetic location: 6p12.3.
Variant type: single nucleotide variant.
Coding change: c.32T>C on transcript NM_000255.4 (MANE Select); coding-DNA position 32, T replaced by C.
Protein change: p.Leu11Pro; replaces leucine 11 with proline.
Molecular consequence: missense variant.
Genome position (GRCh38, 1-based): chr6:49,459,435, A>G on the plus strand (T>C on the coding strand, the complement: MMUT is on the minus strand). VCF-style: chr6-49459435-A-G. GRCh37 (hg19) VCF-style: chr6-49427148-A-G.
Other names: short protein forms L11P.
Identifiers: ClinVar variation 2199139 (VCV002199139.2), dbSNP rs763898170, ClinGen allele CA3847192.

ClinVar aggregate classification (germline): Uncertain significance (1 of 4 stars; one submission).

Allele frequency attached by ClinVar (database versions not stated): ExAC 0.00002; gnomAD 0.00003; TOPMed 0.00003.
gnomAD v4.1: 9 of 1,613,236 alleles (0.00056%); highest among the groups gnomAD compares: African/African-American, 0.012%; no homozygotes.

Submission:

Labcorp Genetics (formerly Invitae), Labcorp
Classification: Uncertain significance. Last evaluated: 2025-02-03. Review status: criteria provided, single submitter. Criteria: Invitae Variant Classification Sherloc (09022015). Collection method: clinical testing. Allele origin: germline.
Comment: This sequence change replaces leucine, which is neutral and non-polar, with proline, which is neutral and non-polar, at codon 11 of the MUT protein (p.Leu11Pro). This variant is present in population databases (rs763898170, gnomAD 0.01%). This variant has not been reported in the literature in individuals affected with MUT-related conditions. ClinVar contains an entry for this variant (Variation ID: 2199139). Invitae Evidence Modeling of protein sequence and biophysical properties (such as structural, functional, and spatial information, amino acid conservation, physicochemical variation, residue mobility, and thermodynamic stability) indicates that this missense variant is not expected to disrupt MUT protein function with a negative predictive value of 95%. In summary, the available evidence is currently insufficient to determine the role of this variant in disease. Therefore, it has been classified as a Variant of Uncertain Significance.